The following is an entry in ClinVar:

NM_007194.4(CHEK2):c.341_348delinsCAAACC (p.Trp114fs)

Gene: CHEK2 (checkpoint kinase 2; minus strand). Cytogenetic location: 22q12.1.
Variant type: Indel.
Coding change: c.341_348delinsCAAACC on transcript NM_007194.4 (MANE Select); coding-DNA positions 341 to 348, GGTTTGGG replaced by CAAACC.
Protein change: p.Trp114fs; shifts the reading frame from tryptophan 114.
Molecular consequence: frameshift variant. On other transcripts: 5 prime UTR variant (2).
Genome position (GRCh38, 1-based): chr22:28,725,339-28,725,346, CCCAAACC replaced by GGTTTG on the plus strand (GGTTTGGG replaced by CAAACC on the coding strand, the reverse complement: CHEK2 is on the minus strand). VCF-style: chr22-28725339-CCCAAACC-GGTTTG. GRCh37 (hg19) VCF-style: chr22-29121327-CCCAAACC-GGTTTG.
Other names: c.470_477delinsCAAACC, p.Trp157fs (NM_001005735.3, NM_001438294.1); c.-437_-430delinsCAAACC (NM_001257387.3); c.341_348delinsCAAACC, p.Trp114fs (NM_001349956.3, NM_145862.3); c.-323_-316delinsCAAACC (NM_001437942.1); c.434_441delinsCAAACC, p.Trp145fs (NM_001438293.1, NM_001438295.1); short protein forms W114fs, W145fs, W157fs.
Identifiers: ClinVar variation 5042245 (VCV005042245.1).

ClinVar aggregate classification (germline): Pathogenic (1 of 4 stars; one submission).

Conditions:
Familial cancer of breast. Also called: BREAST CANCER, FAMILIAL; Hereditary breast cancer; hereditary breast carcinoma. Identifiers: Orphanet 227535, MedGen C0346153, MONDO:0016419, OMIM 114480. Disease mechanism: loss of function.

Submission:

Myriad Genetics, Inc.
Classification: Pathogenic for Familial cancer of breast. Last evaluated: 2026-08-10. Review status: criteria provided, single submitter. Criteria: Myriad Autosomal Dominant, Autosomal Recessive and X-Linked Classification Criteria (2023). Collection method: clinical testing. Allele origin: unknown.
Comment: This variant is considered pathogenic. This variant creates a frameshift predicted to result in premature protein truncation.